The following is an entry in ClinVar:

ClinVar aggregate classification (germline): Pathogenic. Review status: reviewed by expert panel (3 of 4 stars). 16 submissions from 16 submitters: Pathogenic (1). 15 of the submissions do not count toward it. Last evaluated 2025-10-28.

Conditions:
ABCA4-related retinopathy. Also called: ABCA4-related retinoapthy; ABCA4 retinoapthy. Identifiers: MedGen CN322612, MONDO:0800406.
ABCA4-related disorder. Also called: ABCA4-related disorders; ABCA4-related condition. Identifiers: MedGen CN239167.
Age related macular degeneration 2. Also called: MACULAR DEGENERATION, SENILE; MACULOPATHY, AGE-RELATED, 2; MACULOPATHY, AGE-RELATED. Identifiers: MedGen C3495438, MONDO:0007932, OMIM 153800.
Severe early-childhood-onset retinal dystrophy (STGD1). Also called: MACULAR DYSTROPHY WITH FLECKS, TYPE 1; STGD; Stargardt macular dystrophy; Juvenile onset macular degeneration; Stargardt disease 1. Identifiers: Orphanet 364055, Orphanet 827, MedGen C1855465, MeSH D000080362, MONDO:0009549, OMIM 248200.
Retinitis pigmentosa 19 (RP19). Also called: ABCA4-Related Retinitis Pigmentosa. Identifiers: Orphanet 791, MedGen C1866422, MONDO:0011137, OMIM 601718.
Cone-rod dystrophy 3 (CORD3). Identifiers: Orphanet 1872, MedGen C1858806, MONDO:0011395, OMIM 604116.
Retinal dystrophy. Also called: Inherited retinal dystrophy. Identifiers: Orphanet 71862, MedGen C0854723, MeSH D058499, MONDO:0019118, HP:0000556.
Retinal disorder. Also called: Retinopathy; Retinal disorders; Retinopathies; Retinal Diseases. Identifiers: MedGen C0035309, MONDO:0005283, HP:0000488.

Allele frequency attached by ClinVar (database versions not stated): ExAC 0.00001; gnomAD 0.00001; TOPMed 0.00001; gnomAD exomes 0.00002 and 0.00003.
gnomAD v4.1: 43 of 1,612,644 alleles (0.0027%); highest among the groups gnomAD compares: South Asian, 0.0044%; no homozygotes.

Submissions 1 to 12 of 16:

ClinGen ABCA4 Variant Curation Expert Panel, Clingen
Classification: Pathogenic for ABCA4-related retinopathy. Last evaluated: 2025-10-28. Review status: reviewed by expert panel. Criteria: ClinGen ABCA4 ACMG Specifications V1.0.0. Collection method: curation. Allele origin: germline. Inheritance: Autosomal recessive inheritance.
Comment: The NM_000350.3:c.1957C>T variant in ABCA4 is a missense variant predicted to cause substitution of arginine by cysteine at amino acid 653 (p.Arg653Cys). The total minor allele frequency in gnomAD v4.1.0 is 0.00002666 (43/1612644 alleles), which is lower than the ClinGen ABCA4 VCEP’s threshold for PM2_Supporting (<0.0001). The computational predictor REVEL gives a score of 0.852 which is above the threshold of >0.772, evidence that predicts a damaging effect on ABCA4 function (PP3_Moderate). The prevalence of the variant in affected individuals is significantly increased compared with the prevalence in controls. The OR is 139.4 and the CI is 43.93-707.41, which is above the ABCA4 VCEP threshold of ≥5, where the CI does not contain 1 (PS4; PMID: 35120629). This variant has been detected in at least 4 individuals with ABCA4-related retinopathy. Of those individuals, 2 were compound heterozygous for the variant and a pathogenic or likely pathogenic variant unconfirmed in trans (c.3386G>T; p.(Arg1129Leu)( PM3; PMID:35119454). ATPase activity in HEK293 cells showed reduction by over 20% compared to wild type indicating that this variant impacts protein function (PS3_Supporting; PMID:33375396). In summary, this variant meets the criteria to be classified as pathogenic for ABCA4-related retinopathy based on the ACMG/AMP criteria applied, as specified by the ClinGen ABCA4 VCEP (Specification Version 1.0.0): PS4, PP3_Moderate, PM3, PM2_Supporting, PS3_Supporting.

CeGaT Center for Human Genetics Tuebingen
Classification: Pathogenic. Last evaluated: 2026-09-01. Review status: criteria provided, single submitter. Criteria: CeGaT Center For Human Genetics Tuebingen Variant Classification Criteria Version 2. Collection method: clinical testing. Allele origin: germline. Affected: yes. Observed: 8 variant alleles. Not counted in ClinVar's aggregate classification.
Comment: ABCA4: PM3:Very Strong, PM2, PM5, PS3:Supporting

Labcorp Genetics (formerly Invitae), Labcorp
Classification: Pathogenic. Last evaluated: 2026-01-05. Review status: criteria provided, single submitter. Criteria: Invitae Variant Classification Sherloc (09022015). Collection method: clinical testing. Allele origin: germline. Not counted in ClinVar's aggregate classification.
Comment: This sequence change replaces arginine, which is basic and polar, with cysteine, which is neutral and slightly polar, at codon 653 of the ABCA4 protein (p.Arg653Cys). This variant is present in population databases (rs61749420, gnomAD 0.003%). This missense change has been observed in individual(s) with cone rod dystrophy and Stargardt disease (PMID: 23776498, 28559085). In at least one individual the data is consistent with being in trans (on the opposite chromosome) from a pathogenic variant. ClinVar contains an entry for this variant (Variation ID: 99108). Invitae Evidence Modeling of protein sequence and biophysical properties (such as structural, functional, and spatial information, amino acid conservation, physicochemical variation, residue mobility, and thermodynamic stability) indicates that this missense variant is expected to disrupt ABCA4 protein function with a positive predictive value of 95%. This variant disrupts the p.Arg653 amino acid residue in ABCA4. Other variant(s) that disrupt this residue have been determined to be pathogenic (PMID: 9466990, 10413692, 19074458). This suggests that this residue is clinically significant, and that variants that disrupt this residue are likely to be disease-causing. For these reasons, this variant has been classified as Pathogenic.

Genetics Laboratory, Great Ormond Street Hospital NHS Foundation Trust, North Thames Genomic Laboratory Hub
Classification: Pathogenic for Retinal disorders. Last evaluated: 2025-09-23. Review status: criteria provided, single submitter. Criteria: ACGS Best Practice Guidelines for Variant Classification in Rare Disease 2024 v1.2. Collection method: clinical testing. Allele origin: germline. Affected: yes. Not counted in ClinVar's aggregate classification.
Comment: PM2_moderate, PP3_supporting, PM3_very-strong

Revvity Omics, Revvity
Classification: Pathogenic. Last evaluated: 2025-04-18. Review status: criteria provided, single submitter. Criteria: ACMG Guidelines, 2015. Collection method: clinical testing. Allele origin: germline. Not counted in ClinVar's aggregate classification.

GeneDx
Classification: Pathogenic. Last evaluated: 2025-04-09. Review status: criteria provided, single submitter. Criteria: GeneDx Variant Classification Process June 2021. Collection method: clinical testing. Allele origin: germline. Affected: yes. Not counted in ClinVar's aggregate classification.
Comment: Not observed at significant frequency in large population cohorts (gnomAD); In silico analysis, which includes protein predictors and evolutionary conservation, supports a deleterious effect; This variant is associated with the following publications: (PMID: 37498587, 35120629, 35260635, 31964843, 36460718, 32307445, 29701254, 37734845, 32531858, 26992781, 11702214, 23776498, 23499370, 27939946, 28355279, 10958763, 15192030, 19265867, 23953153, 25097154, 25444351, 18652558, 23982839, 28559085, 30204727, 32619608, 29925512, 33301772, 33375396, 35119454, 26957898)

Blueprint Genetics
Classification: Pathogenic for ABCA4-related disorders. Last evaluated: 2024-10-18. Review status: criteria provided, single submitter. Criteria: ACMG Guidelines, 2015. Collection method: clinical testing. Allele origin: germline. Affected: yes. Observed: 5 variant alleles. Not counted in ClinVar's aggregate classification.

3billion
Classification: Pathogenic for Severe early-childhood-onset retinal dystrophy. Last evaluated: 2024-07-04. Review status: criteria provided, single submitter. Criteria: ACMG Guidelines, 2015. Collection method: clinical testing. Allele origin: germline. Affected: yes. Not counted in ClinVar's aggregate classification.
Comment: The variant is observed at an extremely low frequency in the gnomAD v4.0.0 dataset (total allele frequency: 0.003%). Predicted Consequence/Location: Missense variant In silico tool predictions suggest damaging effect of the variant on gene or gene product [REVEL: 0.85 (>=0.6, sensitivity 0.68 and specificity 0.92); 3Cnet: 0.72 (>=0.6, sensitivity 0.72 and precision 0.9)]. The same nucleotide change resulting in the same amino acid change has been previously reported as pathogenic/likely pathogenic with strong evidence (ClinVar ID: VCV000099108 /PMID: 10958763).The variant has been reported to be in trans with a pathogenic variant as either compound heterozygous or homozygous in at least 2 similarly affected unrelated individuals (PMID: 23776498, 28559085).Different missense changes at the same codon (p.Arg653Gly, p.Arg653His, p.Arg653Leu) have been reported as pathogenic/likely pathogenic with strong evidence (ClinVar ID: VCV000417982, VCV000635441 /PMID: 25346251, 36648511). Therefore, this variant is classified as Pathogenic according to the recommendation of ACMG/AMP guideline.

Institute of Human Genetics, Univ. Regensburg, Univ. Regensburg
Classification: Pathogenic for Retinal dystrophy. Last evaluated: 2022-01-01. Review status: criteria provided, single submitter. Criteria: ACMG Guidelines, 2015. Collection method: clinical testing. Allele origin: germline. Affected: yes. Not counted in ClinVar's aggregate classification.

Institute of Medical Molecular Genetics, University of Zurich
Classification: Likely pathogenic for Severe early-childhood-onset retinal dystrophy. Last evaluated: 2021-01-30. Review status: criteria provided, single submitter. Criteria: ACMG Guidelines, 2015. Collection method: clinical testing. Allele origin: germline. Affected: yes. Not counted in ClinVar's aggregate classification.

Institute of Medical Genetics and Applied Genomics, University Hospital Tübingen
Classification: Likely pathogenic. Last evaluated: 2020-10-23. Review status: criteria provided, single submitter. Criteria: ACMG Guidelines, 2015. Collection method: clinical testing. Allele origin: germline. Inheritance: Autosomal recessive inheritance. Affected: yes. Not counted in ClinVar's aggregate classification.

Fulgent Genetics
Classification: Likely pathogenic for Age related macular degeneration 2; Severe early-childhood-onset retinal dystrophy; Retinitis pigmentosa 19; Cone-rod dystrophy 3. Last evaluated: 2018-10-31. Review status: criteria provided, single submitter. Criteria: ACMG Guidelines, 2015. Collection method: clinical testing. Allele origin: unknown. Not counted in ClinVar's aggregate classification.

NM_000350.3(ABCA4):c.1957C>T (p.Arg653Cys)

Gene: ABCA4 (ATP binding cassette subfamily A member 4; minus strand). Cytogenetic location: 1p22.1.
Variant type: single nucleotide variant.
Coding change: c.1957C>T on transcript NM_000350.3 (MANE Select); coding-DNA position 1957, C replaced by T.
Protein change: p.Arg653Cys; replaces arginine 653 with cysteine.
Molecular consequence: missense variant.
Genome position (GRCh38, 1-based): chr1:94,060,740, G>A on the plus strand (C>T on the coding strand, the complement: ABCA4 is on the minus strand). VCF-style: chr1-94060740-G-A. GRCh37 (hg19) VCF-style: chr1-94526296-G-A.
Other names: NM_000350.3(ABCA4):c.1957C>T; c.1957C>T, p.Arg653Cys (NM_001425324.1); short protein forms R653C.
Identifiers: ClinVar variation 99108 (VCV000099108.65), dbSNP rs61749420, ClinGen allele CA226965.